The following is an entry in ClinVar:

ClinVar aggregate classification (germline): Conflicting classifications of pathogenicity. Review status: criteria provided, conflicting classifications (1 of 4 stars). 7 submissions from 7 submitters: Likely pathogenic (2); Uncertain significance (3). 2 of the submissions do not count toward it. Last evaluated 2026-01-27.

Conditions:
Congenital myopathy with fiber type disproportion. Also called: Congenital fiber-type disproportion myopathy; Congenital fiber-type disproportion. Identifiers: Orphanet 2020, MedGen C0546264, MONDO:0009711. Inheritance: all.
Centronuclear myopathy (CNM). Also called: Myotubular myopathy; Centronuclear myopathy, congenital. Identifiers: Orphanet 595, MedGen C0175709, MONDO:0018947. Inheritance: All.
Malignant hyperthermia, susceptibility to, 1 (MHS1). Also called: Malignant hyperthermia suceptibility 1; Anesthesia related hyperthermia; Malignant hyperpyrexia; Fulminating hyperpyrexia; Pharmacogenic myopathy; RYR1-Related Malignant Hyperthermia Susceptibility. Identifiers: Orphanet 423, MedGen C2930980, MONDO:0007783, OMIM 145600.
Multiminicore myopathy. Identifiers: Orphanet 598, MedGen C0270962, MONDO:0018948.
RYR1-related disorder. Also called: RYR1-related condition; RYR1-related disorders. Identifiers: MedGen CN239331.

Allele frequency attached by ClinVar (database versions not stated): ExAC 0.00002; gnomAD exomes 0.00001; TOPMed 0.00003; gnomAD 0.00002.
gnomAD v4.1: 49 of 1,613,716 alleles (0.003%); highest among the groups gnomAD compares: Non-Finnish European, 0.0042%; no homozygotes.

Submissions (7):

Labcorp Genetics (formerly Invitae), Labcorp
Classification: Likely pathogenic for RYR1-related disorder. Last evaluated: 2026-01-27. Review status: criteria provided, single submitter. Criteria: Invitae Variant Classification Sherloc (09022015). Collection method: clinical testing. Allele origin: germline.
Comment: This sequence change replaces proline, which is neutral and non-polar, with threonine, which is neutral and polar, at codon 1293 of the RYR1 protein (p.Pro1293Thr). This variant is present in population databases (rs146407179, gnomAD 0.002%). This missense change has been observed in individual(s) with autosomal recessive multiminicore disease (PMID: 22473935). In at least one individual the data is consistent with being in trans (on the opposite chromosome) from a pathogenic variant. This variant has been reported in individual(s) with autosomal dominant malignant hyperthermia susceptibility (PMID: 36283893); however, the role of the variant in this condition is currently unclear. ClinVar contains an entry for this variant (Variation ID: 440962). Invitae Evidence Modeling of protein sequence and biophysical properties (such as structural, functional, and spatial information, amino acid conservation, physicochemical variation, residue mobility, and thermodynamic stability) indicates that this missense variant is expected to disrupt RYR1 protein function with a positive predictive value of 95%. In summary, the currently available evidence indicates that the variant is pathogenic, but additional data are needed to prove that conclusively. Therefore, this variant has been classified as Likely Pathogenic.

GeneDx
Classification: Likely pathogenic. Last evaluated: 2026-01-10. Review status: criteria provided, single submitter. Criteria: GeneDx Variant Classification Process June 2021. Collection method: clinical testing. Allele origin: germline.
Comment: Not observed at significant frequency in large population cohorts (gnomAD); In silico analysis supports that this missense variant has a deleterious effect on protein structure/function; This variant is associated with the following publications: (PMID: 23919265, 26332594, 23394784, 36283893, 22473935)

All of Us Research Program, National Institutes of Health
Classification: Uncertain significance for Malignant hyperthermia, susceptibility to, 1. Last evaluated: 2024-09-23. Review status: criteria provided, single submitter. Criteria: ACMG Guidelines, 2015. Collection method: clinical testing. Allele origin: germline. Inheritance: Autosomal dominant inheritance. Observed: 11 variant alleles, 11 heterozygotes.
Comment: This missense variant replaces proline with threonine at codon 1293 of the RYR1 protein. Computational prediction suggests that this variant may have deleterious impact on protein structure and function (internally defined REVEL score threshold >= 0.7, PMID: 27666373). To our knowledge, functional studies have not been reported for this variant. This variant has been reported in an individual affected with malignant hyperthermia susceptibility (PMID: 36283893), but may also be associated with other phenotype(s) (ClinVar Variation ID: 440962). This variant has been identified in 3/279980 chromosomes in the general population by the Genome Aggregation Database (gnomAD). Due to insufficient evidence, this variant is classified as a Variant of Uncertain Significance for autosomal dominant malignant hyperthermia.

This study involves interpretation of variants in research participants for the purpose of population health screening. Participant phenotype was not available at the time of variant classification. Additional details can be found in publication PMID: 35346344, PMCID: PMC8962531

Color Diagnostics, LLC DBA Color Health
Classification: Uncertain significance for Malignant hyperthermia, susceptibility to, 1. Last evaluated: 2024-07-24. Review status: criteria provided, single submitter. Criteria: ACMG Guidelines, 2015. Collection method: clinical testing. Allele origin: germline.
Comment: This missense variant replaces proline with threonine at codon 1293 of the RYR1 protein. Computational prediction suggests that this variant may have deleterious impact on protein structure and functio. To our knowledge, functional studies have not been reported for this variant. This variant has been reported in an individual affected with malignant hyperthermia susceptibility (PMID: 36283893), but may also be associated with other phenotype(s) (ClinVar Variation ID: 440962). This variant has been identified in 3/279980 chromosomes in the general population by the Genome Aggregation Database (gnomAD). Due to insufficient evidence, this variant is classified as a Variant of Uncertain Significance for autosomal dominant malignant hyperthermia.

Revvity Omics, Revvity
Classification: Uncertain significance. Last evaluated: 2020-03-17. Review status: criteria provided, single submitter. Criteria: ACMG Guidelines, 2015. Collection method: clinical testing. Allele origin: germline.

Genome Diagnostics Laboratory, University Medical Center Utrecht
Classification: Likely pathogenic. Review status: no assertion criteria provided. Collection method: clinical testing. Allele origin: germline. Affected: yes. Study: VKGL Data-share Consensus. Not counted in ClinVar's aggregate classification.

Joint Genome Diagnostic Labs from Nijmegen and Maastricht, Radboudumc and MUMC+
Classification: Likely pathogenic. Review status: no assertion criteria provided. Collection method: clinical testing. Allele origin: germline. Affected: yes. Study: VKGL Data-share Consensus. Not counted in ClinVar's aggregate classification.

Literature cited by the submitters: PubMed 22473935 (cited by Labcorp Genetics (formerly Invitae), Labcorp); PubMed 36283893 (cited by 3 submitters).

NM_000540.3(RYR1):c.3877C>A (p.Pro1293Thr)

Gene: RYR1 (ryanodine receptor 1; plus strand). Cytogenetic location: 19q13.2.
Variant type: single nucleotide variant.
Coding change: c.3877C>A on transcript NM_000540.3 (MANE Select); coding-DNA position 3877, C replaced by A.
Protein change: p.Pro1293Thr; replaces proline 1293 with threonine.
Molecular consequence: missense variant.
Genome position (GRCh38, 1-based): chr19:38,473,488, C>A. VCF-style: chr19-38473488-C-A. GRCh37 (hg19) VCF-style: chr19-38964128-C-A.
Other names: c.3877C>A, p.Pro1293Thr (NM_001042723.2); short protein forms P1293T.
Identifiers: ClinVar variation 440962 (VCV000440962.23), dbSNP rs146407179, ClinGen allele CA065302.
Genomic context (GRCh38, chr19:38,473,488, plus strand): 5'-CACCGCACCTGGGGCTCCCAGAACAGCCTGGTGGAGATGCTTTTCCTGCGGCTGAGCCTC[C>A]CAGTCCAGTTCCACCAGCACTTCCGCTGCACTGCAGGGGCCACCCCGCTGGCACCTCCTG-3'
Protein context (NP_000531.2, residues 1283-1303): VEMLFLRLSL[Pro1293Thr]VQFHQHFRCT